The following is an entry in ClinVar:

NM_001385641.1(SAMD11):c.1045G>C (p.Glu349Gln)

Gene: SAMD11 (sterile alpha motif domain containing 11; plus strand). Cytogenetic location: 1p36.33.
Variant type: single nucleotide variant.
Coding change: c.1045G>C on transcript NM_001385641.1 (MANE Select); coding-DNA position 1045, G replaced by C.
Protein change: p.Glu349Gln; replaces glutamic acid 349 with glutamine.
Molecular consequence: missense variant.
Genome position (GRCh38, 1-based): chr1:939,117, G>C. VCF-style: chr1-939117-G-C. GRCh37 (hg19) VCF-style: chr1-874497-G-C.
Other names: c.1045G>C, p.Glu349Gln (NM_001385640.1); c.508G>C, p.Glu170Gln (NM_152486.4); c.508G>C (NM_152486.2); short protein forms E170Q, E349Q.
Identifiers: ClinVar variation 1502284 (VCV001502284.6), dbSNP rs200099017, ClinGen allele CA502653.

ClinVar aggregate classification (germline): Uncertain significance. Review status: criteria provided, multiple submitters, no conflicts (2 of 4 stars). 3 submissions from 3 submitters: Uncertain significance (2). 1 of the submissions does not count toward it. Last evaluated 2024-11-13.

Conditions:
Retinal dystrophy. Also called: Inherited retinal dystrophy. Identifiers: Orphanet 71862, MedGen C0854723, MeSH D058499, MONDO:0019118, HP:0000556.

Allele frequency attached by ClinVar (database versions not stated): 1000 Genomes Project 30x 0.00031; 1000 Genomes Project 0.00040.
gnomAD v4.1: 44 of 1,595,366 alleles (0.0028%); highest among the groups gnomAD compares: Middle Eastern, 0.099%; no homozygotes.

Submissions (3):

Ambry Genetics
Classification: Uncertain significance. Last evaluated: 2024-11-13. Review status: criteria provided, single submitter. Criteria: Ambry Variant Classification Scheme 2023. Collection method: clinical testing. Allele origin: germline.

Labcorp Genetics (formerly Invitae), Labcorp
Classification: Uncertain significance. Last evaluated: 2022-10-13. Review status: criteria provided, single submitter. Criteria: Invitae Variant Classification Sherloc (09022015). Collection method: clinical testing. Allele origin: germline.
Comment: This sequence change replaces glutamic acid, which is acidic and polar, with glutamine, which is neutral and polar, at codon 170 of the SAMD11 protein (p.Glu170Gln). This variant is present in population databases (rs200099017, gnomAD 0.02%). This variant has not been reported in the literature in individuals affected with SAMD11-related conditions. ClinVar contains an entry for this variant (Variation ID: 1502284). Algorithms developed to predict the effect of missense changes on protein structure and function output the following: SIFT: "Tolerated"; PolyPhen-2: "Benign"; Align-GVGD: "Class C0". The glutamine amino acid residue is found in multiple mammalian species, which suggests that this missense change does not adversely affect protein function. In summary, the available evidence is currently insufficient to determine the role of this variant in disease. Therefore, it has been classified as a Variant of Uncertain Significance.

Institute of Human Genetics, Univ. Regensburg, Univ. Regensburg
Classification: Uncertain significance for Retinal dystrophy. Last evaluated: 2022-01-01. Review status: no assertion criteria provided. Criteria: ACMG Guidelines, 2015. Collection method: clinical testing. Allele origin: germline. Affected: yes. Not counted in ClinVar's aggregate classification.